The following is an entry in ClinVar:

ClinVar aggregate classification (germline): Uncertain significance (1 of 4 stars; one submission).

Conditions:
SLC35A2-congenital disorder of glycosylation. Also called: CONGENITAL DISORDER OF GLYCOSYLATION, TYPE IIm, SOMATIC MOSAIC; SLC35A2-CDG; EPILEPTIC ENCEPHALOPATHY, EARLY INFANTILE, 22; DEVELOPMENTAL AND EPILEPTIC ENCEPHALOPATHY 22; CONGENITAL DISORDER OF GLYCOSYLATION, TYPE IIm; CDG IIm. Identifiers: Orphanet 356961, MedGen C3806688, MONDO:0010478, OMIM 300896.

gnomAD v4.1: 1 of 1,211,068 alleles (0.000083%); highest among the groups gnomAD compares: Admixed American, 0.0022%; no homozygotes.

Submission:

Labcorp Genetics (formerly Invitae), Labcorp
Classification: Uncertain significance for SLC35A2-congenital disorder of glycosylation. Last evaluated: 2025-01-06. Review status: criteria provided, single submitter. Criteria: Invitae Variant Classification Sherloc (09022015). Collection method: clinical testing. Allele origin: germline.
Comment: This sequence change replaces glycine, which is neutral and non-polar, with tryptophan, which is neutral and slightly polar, at codon 366 of the SLC35A2 protein (p.Gly366Trp). The frequency data for this variant in the population databases is considered unreliable, as metrics indicate poor data quality at this position in the gnomAD database. This variant has not been reported in the literature in individuals affected with SLC35A2-related conditions. ClinVar contains an entry for this variant (Variation ID: 864444). An algorithm developed to predict the effect of missense changes on protein structure and function (PolyPhen-2) suggests that this variant is likely to be disruptive. In summary, the available evidence is currently insufficient to determine the role of this variant in disease. Therefore, it has been classified as a Variant of Uncertain Significance.

NM_005660.3(SLC35A2):c.1096G>T (p.Gly366Trp)

Gene: SLC35A2 (solute carrier family 35 member A2; minus strand). Cytogenetic location: Xp11.23.
Variant type: single nucleotide variant.
Coding change: c.1096G>T on transcript NM_005660.3 (MANE Select); coding-DNA position 1096, G replaced by T.
Protein change: p.Gly366Trp; replaces glycine 366 with tryptophan.
Molecular consequence: missense variant.
Genome position (GRCh38, 1-based): chrX:48,904,813, C>A on the plus strand (G>T on the coding strand, the complement: SLC35A2 is on the minus strand). VCF-style: chrX-48904813-C-A. GRCh37 (hg19) VCF-style: chrX-48762090-C-A.
Other names: c.506G>T, p.Arg169Leu (NM_001032289.3, NM_001282647.2); c.1096G>T, p.Gly366Trp (NM_001042498.3); c.434G>T, p.Arg145Leu (NM_001282648.2); c.913G>T, p.Gly305Trp (NM_001282649.2); c.1135G>T, p.Gly379Trp (NM_001282650.2); c.1180G>T, p.Gly394Trp (NM_001282651.2); short protein forms G305W, G366W, G379W, R145L, R169L, G394W.
Identifiers: ClinVar variation 864444 (VCV000864444.10), dbSNP rs782329380, ClinGen allele CA412894126.